The following is an entry in ClinVar:

ClinVar aggregate classification (germline): Uncertain significance. Review status: criteria provided, multiple submitters, no conflicts (2 of 4 stars). 3 submissions from 3 submitters: Uncertain significance (3). Last evaluated 2026-02-03.

Conditions:
Neuroblastoma, susceptibility to, 3. Also called: ALK-Related Neuroblastic Tumor Susceptibility. Identifiers: Orphanet 635, MedGen C2751681, MONDO:0013083, OMIM 613014.
Hereditary cancer-predisposing syndrome. Also called: Neoplastic Syndromes, Hereditary; Tumor predisposition; Hereditary neoplastic syndrome; Hereditary Cancer Syndrome. Identifiers: Orphanet 140162, MedGen C0027672, MeSH D009386, MONDO:0015356.

Submissions (3):

Ambry Genetics
Classification: Uncertain significance for Hereditary cancer-predisposing syndrome. Last evaluated: 2026-02-03. Review status: criteria provided, single submitter. Criteria: Ambry Variant Classification Scheme 2023. Collection method: clinical testing. Allele origin: germline.
Comment: The c.3646-3C>T intronic variant results from a C to T substitution 3 nucleotides upstream from coding exon 24 in the ALK gene. This nucleotide position is well conserved in available vertebrate species. In silico splice site analysis predicts that this alteration may weaken the native splice acceptor site. Based on the available evidence, the clinical significance of this variant remains unclear.

Labcorp Genetics (formerly Invitae), Labcorp
Classification: Uncertain significance for Neuroblastoma, susceptibility to, 3. Last evaluated: 2023-10-23. Review status: criteria provided, single submitter. Criteria: Invitae Variant Classification Sherloc (09022015). Collection method: clinical testing. Allele origin: germline.
Comment: This sequence change falls in intron 23 of the ALK gene. It does not directly change the encoded amino acid sequence of the ALK protein. It affects a nucleotide within the consensus splice site. This variant is not present in population databases (gnomAD no frequency). This variant has not been reported in the literature in individuals affected with ALK-related conditions. ClinVar contains an entry for this variant (Variation ID: 404311). Variants that disrupt the consensus splice site are a relatively common cause of aberrant splicing (PMID: 17576681, 9536098). Algorithms developed to predict the effect of sequence changes on RNA splicing suggest that this variant is not likely to affect RNA splicing. In summary, the available evidence is currently insufficient to determine the role of this variant in disease. Therefore, it has been classified as a Variant of Uncertain Significance.

GeneDx
Classification: Uncertain significance. Last evaluated: 2023-02-15. Review status: criteria provided, single submitter. Criteria: GeneDx Variant Classification Process June 2021. Collection method: clinical testing. Allele origin: germline. Affected: yes.
Comment: Not observed at significant frequency in large population cohorts (gnomAD); Has not been previously published as pathogenic or benign to our knowledge; In silico analysis is inconclusive as to whether the variant alters gene splicing. In the absence of RNA/functional studies, the actual effect of this sequence change is unknown.

Literature cited by the submitters: PubMed 17576681 (cited by Labcorp Genetics (formerly Invitae), Labcorp); PubMed 9536098 (cited by Labcorp Genetics (formerly Invitae), Labcorp).

NM_004304.5(ALK):c.3646-3C>T

Gene: ALK (ALK receptor tyrosine kinase; minus strand). Cytogenetic location: 2p23.2.
Variant type: single nucleotide variant.
Coding change: c.3646-3C>T on transcript NM_004304.5 (MANE Select); 3 bases into the intron before coding-DNA position 3646, C replaced by T.
Molecular consequence: intron variant.
Genome position (GRCh38, 1-based): chr2:29,214,084, G>A on the plus strand (C>T on the coding strand, the complement: ALK is on the minus strand). VCF-style: chr2-29214084-G-A. GRCh37 (hg19) VCF-style: chr2-29436950-G-A.
Other names: c.442-3C>T (NM_001353765.2).
Identifiers: ClinVar variation 404311 (VCV000404311.14), dbSNP rs1060500208, ClinGen allele CA16610894.